The following continues an entry in ClinVar:

NM_000478.6(ALPL):c.575T>C (p.Met192Thr)

Gene: ALPL. ClinVar aggregate classification (germline): Pathogenic/Likely pathogenic. Pathogenic (6); Likely pathogenic (9).

Submissions 10 to 15 of 15:

Victorian Clinical Genetics Services, Murdoch Childrens Research Institute
Classification: Likely pathogenic for Infantile hypophosphatasia. Last evaluated: 2024-10-20. Review status: criteria provided, single submitter. Criteria: ACMG Guidelines, 2015. Collection method: clinical testing. Allele origin: germline. Affected: no.
Comment: This variant is classified as Likely pathogenic. Evidence in support of pathogenic classification: Variant is present in gnomAD <0.01 (v4: 268 heterozygote(s), 0 homozygote(s)); This variant has strong previous evidence of pathogenicity in unrelated individuals. This variant has been classified as pathogenic four times, likely pathogenic once and VUS once by clinical laboratories in ClinVar. It has also been reported in compound heterozygous individuals with infantile onset disease and heterozygote individuals with late onset osteoporosis (PMIDs: 31793067, 32973344, 21956185, 21713987); Missense variant consistently predicted to be damaging by in silico tool or highly conserved with a major amino acid change. Additional information: Variant is predicted to result in a missense amino acid change from methionine to threonine; This variant is heterozygous; This gene is associated with both recessive and dominant disease. Severe forms of hypophosphatasia (perinatal and infantile) are generally associated with autosomal recessive disease, while the milder forms of hypophosphatasia (childhood, adult and odontohypophosphatasia) have been associated with both autosomal dominant and recessive disease (PMID: 19500388, 23688511); Multiple alternative amino acid changes at the same position have been observed in gnomAD (v4) (highest allele count: 3 heterozygotes, 0 homozygotes); Functional evidence for this variant is inconclusive. Cells expressing this variant were reported as having an enzymatic activity corresponding to approximately 58% of wild-type, which was defined as high residual enzyme activity (PMID: 32160374); No comparable missense variants have previous evidence for pathogenicity; Variant is located in the annotated alkaline phosphatase domain (DECIPHER); Dominant negative and loss of function are known mechanisms of disease in this gene. Late-onset/mild disease is associated with monoallelic dominant negative variants or biallelic loss of function variants that retain residual enzyme activity, while early-onset/severe disease is caused by more complete loss of function variants (PMID: 20301329, 19500388); The condition associated with this gene has incomplete penetrance (PMID: 20301329); Variants in this gene are known to have variable expressivity (PMID: 20301329).

Blueprint Genetics
Classification: Pathogenic for ALPL-related disorders. Last evaluated: 2024-07-03. Review status: criteria provided, single submitter. Criteria: ACMG Guidelines, 2015. Collection method: clinical testing. Allele origin: germline. Affected: yes. Observed: 5 variant alleles.

Fulgent Genetics
Classification: Likely pathogenic for Adult hypophosphatasia; Infantile hypophosphatasia; Childhood hypophosphatasia. Last evaluated: 2024-04-22. Review status: criteria provided, single submitter. Criteria: ACMG Guidelines, 2015. Collection method: clinical testing. Allele origin: germline.

Baylor Genetics
Classification: Pathogenic for Adult hypophosphatasia. Last evaluated: 2024-03-28. Review status: criteria provided, single submitter. Criteria: ACMG Guidelines, 2015. Collection method: clinical testing. Allele origin: unknown.

Pittsburgh Clinical Genomics Laboratory, University of Pittsburgh Medical Center
Classification: Likely pathogenic for Infantile hypophosphatasia. Last evaluated: 2023-08-17. Review status: criteria provided, single submitter. Criteria: ACMG Guidelines, 2015. Collection method: clinical testing. Allele origin: germline. Inheritance: Autosomal recessive inheritance. Affected: yes.
Comment: This sequence variant is a single nucleotide substitution (T>C) at position 575 of the coding sequence of the ALPL gene that results in a methionine to threonine amino acid change at residue 192 of the alkaline phosphatase, biomineralization associated protein. This is a previously reported variant (ClinVar 968006) that has been observed in the compound heterozygous state in individuals affected ALPL-related disorders (PMID: 21713987, 31793067, 32160374, 32973344). This variant is present in 16 of 251222 alleles (0.0064%) in the gnomAD population dataset. Multiple bioinformatic tools predict that this amino acid change would be damaging, and the Met192 residue is highly conserved across the vertebrate species examined. Studies examining the functiol consequence of this variant reduces enzymatic activity by approximately 50% but does not show a domint negative effect (PMID: 32160374). Based upon the evidence, we consider this variant to be likely pathogenic. ACMG Criteria: PM2, PM3, PP2, PP3

NxGen MDx
Classification: Likely pathogenic for Infantile hypophosphatasia. Last evaluated: 2020-07-27. Review status: criteria provided, single submitter. Criteria: ACMG Guidelines, 2015. Collection method: clinical testing. Allele origin: germline.
Comment: This is a nonconservative change at a well conserved location across species. In silico algorithms suggest that this change may be damaging (PP3). This variant is not present at a significant allelic frequency in GnomAD Exomes (PM2). This variant is referenced in PMID: 21713987 with 2nd allele F327del in a childhood onset HPP case as well as in a compound heterozygous case with infantile HPP in PMID: 31793067.

Literature cited by the submitters: PubMed 21713987 (cited by 7 submitters); PubMed 32973344 (cited by 4 submitters); PubMed 31793067 (cited by 5 submitters); PubMed 32160374 (cited by 6 submitters); PubMed 21956185 (cited by 3 submitters); PubMed 31707452 (cited by Women's Health and Genetics/Laboratory Corporation of America, LabCorp); PubMed 32390219 (cited by Women's Health and Genetics/Laboratory Corporation of America, LabCorp); PubMed 33301960 (cited by Women's Health and Genetics/Laboratory Corporation of America, LabCorp and Natera, Inc.); PubMed 37993691 (cited by Women's Health and Genetics/Laboratory Corporation of America, LabCorp and Natera, Inc.); PubMed 38702915 (cited by Women's Health and Genetics/Laboratory Corporation of America, LabCorp and Rare Kidney Stone Consortium and the Mayo Clinic Hyperoxaluria Center, Mayo Clinic); PubMed 38884565 (cited by Rare Kidney Stone Consortium and the Mayo Clinic Hyperoxaluria Center, Mayo Clinic and Genomenon, Inc); PubMed 39983296 (cited by Rare Kidney Stone Consortium and the Mayo Clinic Hyperoxaluria Center, Mayo Clinic); PubMed 40794449 (cited by Rare Kidney Stone Consortium and the Mayo Clinic Hyperoxaluria Center, Mayo Clinic); PubMed 19500388 (cited by Victorian Clinical Genetics Services, Murdoch Childrens Research Institute); PubMed 20301329 (cited by Victorian Clinical Genetics Services, Murdoch Childrens Research Institute); PubMed 23688511 (cited by Victorian Clinical Genetics Services, Murdoch Childrens Research Institute).